The following is an entry in ClinVar:

NM_007194.4(CHEK2):c.1259+7A>C

Gene: CHEK2 (checkpoint kinase 2; minus strand). Cytogenetic location: 22q12.1.
Variant type: single nucleotide variant.
Coding change: c.1259+7A>C on transcript NM_007194.4 (MANE Select); 7 bases into the intron after coding-DNA position 1259, A replaced by C.
Molecular consequence: intron variant.
Genome position (GRCh38, 1-based): chr22:28,695,703, T>G on the plus strand (A>C on the coding strand, the complement: CHEK2 is on the minus strand). VCF-style: chr22-28695703-T-G. GRCh37 (hg19) VCF-style: chr22-29091691-T-G.
Other names: c.596+7A>C (NM_001437942.1, NM_001257387.3); c.1058+7A>C (NM_001349956.3); c.1172+7A>C (NM_145862.3); c.1265+7A>C (NM_001438295.1); c.1352+7A>C (NM_001438293.1); c.1301+7A>C (NM_001438294.1); c.1388+7A>C (NM_001005735.3).
Identifiers: ClinVar variation 3772869 (VCV003772869.1).

ClinVar aggregate classification (germline): Likely benign (1 of 4 stars; one submission).

Conditions:
Familial cancer of breast. Also called: Hereditary breast cancer; BREAST CANCER, FAMILIAL; hereditary breast carcinoma. Identifiers: Orphanet 227535, MedGen C0346153, MONDO:0016419, OMIM 114480. Disease mechanism: loss of function.

Submission:

Myriad Genetics, Inc.
Classification: Likely benign for Familial cancer of breast. Last evaluated: 2024-10-07. Review status: criteria provided, single submitter. Criteria: Myriad Autosomal Dominant, Autosomal Recessive and X-Linked Classification Criteria (2023). Collection method: clinical testing. Allele origin: unknown.
Comment: This variant is considered likely benign. This variant is intronic and is not expected to impact mRNA splicing.